The following is an entry in ClinVar:

NM_000094.4(COL7A1):c.8109+3G>A

Gene: COL7A1 (collagen type VII alpha 1 chain; minus strand). Cytogenetic location: 3p21.31.
Variant type: single nucleotide variant.
Coding change: c.8109+3G>A on transcript NM_000094.4 (MANE Select); 3 bases into the intron after coding-DNA position 8109, G replaced by A.
Molecular consequence: intron variant.
Genome position (GRCh38, 1-based): chr3:48,567,125, C>T on the plus strand (G>A on the coding strand, the complement: COL7A1 is on the minus strand). VCF-style: chr3-48567125-C-T. GRCh37 (hg19) VCF-style: chr3-48604558-C-T.
Identifiers: ClinVar variation 2856737 (VCV002856737.3), dbSNP rs750637776, ClinGen allele CA2665617997.

ClinVar aggregate classification (germline): Uncertain significance (1 of 4 stars; one submission).

gnomAD v4.1: 2 of 1,614,074 alleles (0.00012%); highest among the groups gnomAD compares: East Asian, 0.0045%; no homozygotes.

Submission:

Labcorp Genetics (formerly Invitae), Labcorp
Classification: Uncertain significance. Last evaluated: 2023-04-15. Review status: criteria provided, single submitter. Criteria: Invitae Variant Classification Sherloc (09022015). Collection method: clinical testing. Allele origin: germline.
Comment: In summary, the available evidence is currently insufficient to determine the role of this variant in disease. Therefore, it has been classified as a Variant of Uncertain Significance. This sequence change falls in intron 109 of the COL7A1 gene. It does not directly change the encoded amino acid sequence of the COL7A1 protein. It affects a nucleotide within the consensus splice site. This variant is not present in population databases (gnomAD no frequency). This variant has not been reported in the literature in individuals affected with COL7A1-related conditions. Variants that disrupt the consensus splice site are a relatively common cause of aberrant splicing (PMID: 17576681, 9536098). Algorithms developed to predict the effect of sequence changes on RNA splicing suggest that this variant is not likely to affect RNA splicing.

Literature cited by the submitters: PubMed 17576681; PubMed 9536098.